The following is an entry in ClinVar:

ClinVar aggregate classification (germline): Pathogenic/Likely pathogenic. Review status: criteria provided, multiple submitters, no conflicts (2 of 4 stars). 2 submissions from 2 submitters: Pathogenic (1); Likely pathogenic (1). Last evaluated 2024-10-04.

Conditions:
Peroxisome biogenesis disorder 4A (Zellweger) (PBD4A). Also called: Zellweger syndrome spectrum (PEX6-related). Identifiers: Orphanet 912, MedGen C3553936, MONDO:0013930, OMIM 614862. Disease mechanism: loss of function.
Peroxisome biogenesis disorder 4B (PBD4B). Also called: SPINOCEREBELLAR ATAXIA WITH BLINDNESS AND DEAFNESS 1. Identifiers: Orphanet 44, Orphanet 95433, MedGen C3553937, MONDO:0013931, OMIM 614863.

Allele frequency attached by ClinVar (database versions not stated): gnomAD exomes below 0.00001 and 0.00001; ExAC 0.00001.

Submissions (2):

Dubai Health Genomic Medicine Center, Dubai Health
Classification: Likely pathogenic for Peroxisome biogenesis disorder 4B. Last evaluated: 2024-10-04. Review status: criteria provided, single submitter. Criteria: ACMG Guidelines, 2015. Collection method: research. Allele origin: germline. Affected: yes.
Comment: PVS1,PM2

Elsea Laboratory, Baylor College of Medicine
Classification: Pathogenic for Peroxisome biogenesis disorder 4A (Zellweger); Peroxisome biogenesis disorder 4B. Last evaluated: 2020-04-01. Review status: criteria provided, single submitter. Criteria: ACMG Guidelines, 2015. Collection method: clinical testing. Allele origin: maternal, paternal. Affected: yes.

NM_000287.4(PEX6):c.611C>G (p.Ser204Ter)

Gene: PEX6 (peroxisomal biogenesis factor 6; minus strand). Cytogenetic location: 6p21.1.
Variant type: single nucleotide variant.
Coding change: c.611C>G on transcript NM_000287.4 (MANE Select); coding-DNA position 611, C replaced by G.
Protein change: p.Ser204Ter; replaces serine 204 with a stop codon.
Molecular consequence: nonsense. On other transcripts: non-coding transcript variant (1).
Genome position (GRCh38, 1-based): chr6:42,978,540, G>C on the plus strand (C>G on the coding strand, the complement: PEX6 is on the minus strand). VCF-style: chr6-42978540-G-C. GRCh37 (hg19) VCF-style: chr6-42946278-G-C.
Other names: c.611C>G, p.Ser204Ter (NM_001316313.2); short protein forms S204*.
Identifiers: ClinVar variation 973460 (VCV000973460.4), dbSNP rs773056086, ClinGen allele CA3811598.